The following is an entry in ClinVar:

NM_177438.3(DICER1):c.2804+6T>C

Gene: DICER1 (dicer 1, ribonuclease III; minus strand). Cytogenetic location: 14q32.13.
Variant type: single nucleotide variant.
Coding change: c.2804+6T>C on transcript NM_177438.3 (MANE Select); 6 bases into the intron after coding-DNA position 2804, T replaced by C.
Molecular consequence: intron variant.
Genome position (GRCh38, 1-based): chr14:95,107,602, A>G on the plus strand (T>C on the coding strand, the complement: DICER1 is on the minus strand). VCF-style: chr14-95107602-A-G. GRCh37 (hg19) VCF-style: chr14-95573939-A-G.
Other names: c.2804+6T>C (NM_001291628.2, NM_030621.4, NM_001395677.1 and 12 more transcripts); c.2399+6T>C (NM_001395690.1, NM_001395687.1, NM_001395689.1 and 2 more transcripts); c.2522+6T>C (NM_001395686.1); c.2237+6T>C (NM_001395691.1); c.1121+6T>C (NM_001395697.1).
Identifiers: ClinVar variation 2133383 (VCV002133383.4), dbSNP rs2542827522, ClinGen allele CA2580089054.

ClinVar aggregate classification (germline): Uncertain significance (1 of 4 stars; one submission).

Conditions:
DICER1-related tumor predisposition. Also called: DICER1 syndrome; DICER1-related pleuropulmonary blastoma cancer predisposition syndrome. Identifiers: Orphanet 284343, MedGen C3839822, MONDO:0100216.

Submission:

Labcorp Genetics (formerly Invitae), Labcorp
Classification: Uncertain significance for DICER1-related tumor predisposition. Last evaluated: 2022-05-04. Review status: criteria provided, single submitter. Criteria: Invitae Variant Classification Sherloc (09022015). Collection method: clinical testing. Allele origin: germline.
Comment: This variant is not present in population databases (gnomAD no frequency). In summary, the available evidence is currently insufficient to determine the role of this variant in disease. Therefore, it has been classified as a Variant of Uncertain Significance. Variants that disrupt the consensus splice site are a relatively common cause of aberrant splicing (PMID: 17576681, 9536098). Algorithms developed to predict the effect of sequence changes on RNA splicing suggest that this variant is not likely to affect RNA splicing. This variant has not been reported in the literature in individuals affected with DICER1-related conditions. This sequence change falls in intron 17 of the DICER1 gene. It does not directly change the encoded amino acid sequence of the DICER1 protein. It affects a nucleotide within the consensus splice site.

Literature cited by the submitters: PubMed 17576681; PubMed 9536098.